The following is an entry in ClinVar:

ClinVar aggregate classification (germline): Uncertain significance (1 of 4 stars; one submission).

Conditions:
Hereditary nonpolyposis colorectal neoplasms. Identifiers: MedGen C0009405, MeSH D003123.

Submission:

Labcorp Genetics (formerly Invitae), Labcorp
Classification: Uncertain significance for Hereditary nonpolyposis colorectal neoplasms. Last evaluated: 2022-10-18. Review status: criteria provided, single submitter. Criteria: Invitae Variant Classification Sherloc (09022015). Collection method: clinical testing. Allele origin: germline.
Comment: In summary, the available evidence is currently insufficient to determine the role of this variant in disease. Therefore, it has been classified as a Variant of Uncertain Significance. Variants that disrupt the consensus splice site are a relatively common cause of aberrant splicing (PMID: 17576681, 9536098). Studies have shown that this variant is associated with altered splicing resulting in unknown protein product impact (Invitae). ClinVar contains an entry for this variant (Variation ID: 1055067). This variant has not been reported in the literature in individuals affected with MSH6-related conditions. This variant is not present in population databases (gnomAD no frequency). This sequence change falls in intron 3 of the MSH6 gene. It does not directly change the encoded amino acid sequence of the MSH6 protein. It affects a nucleotide within the consensus splice site.

Literature cited by the submitters: PubMed 17576681; PubMed 9536098.

NM_000179.3(MSH6):c.627+5G>C

Gene: MSH6 (mutS homolog 6; plus strand). Cytogenetic location: 2p16.3.
Variant type: single nucleotide variant.
Coding change: c.627+5G>C on transcript NM_000179.3 (MANE Select); 5 bases into the intron after coding-DNA position 627, G replaced by C.
Molecular consequence: intron variant.
Genome position (GRCh38, 1-based): chr2:47,796,068, G>C. VCF-style: chr2-47796068-G-C. GRCh37 (hg19) VCF-style: chr2-48023207-G-C.
Other names: c.-279-2543G>C (NM_001281493.2); c.238-2543G>C (NM_001281492.2); c.-276+5G>C (NM_001281494.2).
Identifiers: ClinVar variation 1055067 (VCV001055067.9), dbSNP rs2104241590, ClinGen allele CA2499216091.